The following is an entry in ClinVar:

NM_000465.4(BARD1):c.1900G>T (p.Glu634Ter)

Gene: BARD1 (BRCA1 associated RING domain 1; minus strand). Cytogenetic location: 2q35.
Variant type: single nucleotide variant.
Coding change: c.1900G>T on transcript NM_000465.4 (MANE Select); coding-DNA position 1900, G replaced by T.
Protein change: p.Glu634Ter; replaces glutamic acid 634 with a stop codon.
Molecular consequence: nonsense. On other transcripts: non-coding transcript variant (3), intron variant (1).
Genome position (GRCh38, 1-based): chr2:214,745,070, C>A on the plus strand (G>T on the coding strand, the complement: BARD1 is on the minus strand). VCF-style: chr2-214745070-C-A. GRCh37 (hg19) VCF-style: chr2-215609794-C-A.
Other names: c.1843G>T, p.Glu615Ter (NM_001282543.2); c.547G>T, p.Glu183Ter (NM_001282545.2); c.490G>T, p.Glu164Ter (NM_001282548.2); c.365-14562G>T (NM_001282549.2); short protein forms E164*, E183*, E615*, E634*.
Identifiers: ClinVar variation 1713240 (VCV001713240.22), dbSNP rs761090896, ClinGen allele CA350452051.

ClinVar aggregate classification (germline): Pathogenic. Review status: criteria provided, multiple submitters, no conflicts (2 of 4 stars). 4 submissions from 4 submitters: Pathogenic (3). 1 of the submissions does not count toward it. Last evaluated 2023-11-02.

Conditions:
Hereditary cancer-predisposing syndrome. Also called: Neoplastic Syndromes, Hereditary; Tumor predisposition; Hereditary Cancer Syndrome; Hereditary neoplastic syndrome. Identifiers: Orphanet 140162, MedGen C0027672, MeSH D009386, MONDO:0015356.
Familial cancer of breast. Also called: Hereditary breast cancer; BREAST CANCER, FAMILIAL; hereditary breast carcinoma. Identifiers: Orphanet 227535, MedGen C0346153, MONDO:0016419, OMIM 114480. Disease mechanism: loss of function.

Submissions (4):

ARUP Laboratories, Molecular Genetics and Genomics, ARUP Laboratories
Classification: Pathogenic for Familial cancer of breast. Last evaluated: 2023-11-02. Review status: criteria provided, single submitter. Criteria: ARUP Molecular Germline Variant Investigation Process 2024. Collection method: clinical testing. Allele origin: germline.
Comment: The BARD1 c.1900G>T p.Glu634Ter variant, to our knowledge, is not reported in the medical literature but is reported in ClinVar (Variation ID: 1713240). This variant is absent from the Genome Aggregation Database, indicating it is not a common polymorphism. This variant induces an early termination codon and is predicted to result in a truncated protein or mRNA subject to nonsense-mediated decay. Based on available information, this variant is considered to be pathogenic.

Myriad Genetics, Inc.
Classification: Pathogenic for Familial cancer of breast. Last evaluated: 2023-05-24. Review status: criteria provided, single submitter. Criteria: Myriad Autosomal Dominant, Autosomal Recessive and X-Linked Classification Criteria (2023). Collection method: clinical testing. Allele origin: unknown.
Comment: This variant is considered pathogenic. This variant creates a termination codon and is predicted to result in premature protein truncation.

Ambry Genetics
Classification: Pathogenic for Hereditary cancer-predisposing syndrome. Last evaluated: 2020-08-11. Review status: criteria provided, single submitter. Criteria: Ambry Variant Classification Scheme 2023. Collection method: clinical testing. Allele origin: germline.
Comment: The p.E634* pathogenic mutation (also known as c.1900G>T), located in coding exon 9 of the BARD1 gene, results from a G to T substitution at nucleotide position 1900. This changes the amino acid from a glutamic acid to a stop codon within coding exon 9. This alteration is expected to result in loss of function by premature protein truncation or nonsense-mediated mRNA decay. As such, this alteration is interpreted as a disease-causing mutation.

BRCAlab, Lund University
Classification: Pathogenic for Familial cancer of breast. Last evaluated: 2022-08-26. Review status: no assertion criteria provided. Collection method: clinical testing. Allele origin: germline. Affected: yes. Not counted in ClinVar's aggregate classification.